The following is an entry in ClinVar:

NM_003334.4(UBA1):c.1775G>A (p.Arg592Gln)

Gene: UBA1 (ubiquitin like modifier activating enzyme 1; plus strand). Cytogenetic location: Xp11.3.
Variant type: single nucleotide variant.
Coding change: c.1775G>A on transcript NM_003334.4 (MANE Select); coding-DNA position 1775, G replaced by A.
Protein change: p.Arg592Gln; replaces arginine 592 with glutamine.
Molecular consequence: missense variant.
Genome position (GRCh38, 1-based): chrX:47,206,281, G>A. VCF-style: chrX-47206281-G-A. GRCh37 (hg19) VCF-style: chrX-47065680-G-A.
Other names: c.1775G>A, p.Arg592Gln (NM_153280.3); short protein forms R592Q.
Identifiers: ClinVar variation 659218 (VCV000659218.10), dbSNP rs1215231057, ClinGen allele CA412802493.

ClinVar aggregate classification (germline): Uncertain significance (1 of 4 stars; one submission).

Conditions:
Infantile-onset X-linked spinal muscular atrophy. Also called: Spinal Muscular Atrophy, X-Linked Infantile; SPINAL MUSCULAR ATROPHY, X-LINKED LETHAL INFANTILE; AMC, DISTAL, X-LINKED; ARTHROGRYPOSIS, X-LINKED, TYPE I; Spinal muscular atrophy, X-linked 2. Identifiers: Orphanet 1145, MedGen C1844934, MONDO:0010532, OMIM 301830.

Allele frequency attached by ClinVar (database versions not stated): TOPMed below 0.00001; gnomAD 0.00002.
gnomAD v4.1: 2 of 1,207,813 alleles (0.00017%); highest among the groups gnomAD compares: African/African-American, 0.0035%; no homozygotes.

Submission:

Labcorp Genetics (formerly Invitae), Labcorp
Classification: Uncertain significance for Infantile-onset X-linked spinal muscular atrophy. Last evaluated: 2023-08-17. Review status: criteria provided, single submitter. Criteria: Invitae Variant Classification Sherloc (09022015). Collection method: clinical testing. Allele origin: germline.
Comment: This variant has not been reported in the literature in individuals affected with UBA1-related conditions. ClinVar contains an entry for this variant (Variation ID: 659218). An algorithm developed to predict the effect of missense changes on protein structure and function (PolyPhen-2) suggests that this variant is likely to be disruptive. In summary, the available evidence is currently insufficient to determine the role of this variant in disease. Therefore, it has been classified as a Variant of Uncertain Significance. This variant is not present in population databases (gnomAD no frequency). This sequence change replaces arginine, which is basic and polar, with glutamine, which is neutral and polar, at codon 592 of the UBA1 protein (p.Arg592Gln).